The following is an entry in ClinVar:

ClinVar aggregate classification (germline): Uncertain significance (1 of 4 stars; one submission).

gnomAD v4.1: 1 of 1,613,744 alleles (0.000062%); highest among the groups gnomAD compares: Non-Finnish European, 0.000085%; no homozygotes.

Submission:

CeGaT Center for Human Genetics Tuebingen
Classification: Uncertain significance. Last evaluated: 2024-01-01. Review status: criteria provided, single submitter. Criteria: CeGaT Center For Human Genetics Tuebingen Variant Classification Criteria Version 2. Collection method: clinical testing. Allele origin: germline. Affected: yes. Observed: 1 variant allele.
Comment: ZFHX4: PM2

NM_024721.5(ZFHX4):c.8697C>G (p.Ser2899Arg)

Gene: ZFHX4 (zinc finger homeobox 4; plus strand). Cytogenetic location: 8q21.13.
Variant type: single nucleotide variant.
Coding change: c.8697C>G on transcript NM_024721.5 (MANE Select); coding-DNA position 8697, C replaced by G.
Protein change: p.Ser2899Arg; replaces serine 2899 with arginine.
Molecular consequence: missense variant.
Genome position (GRCh38, 1-based): chr8:76,855,618, C>G. VCF-style: chr8-76855618-C-G. GRCh37 (hg19) VCF-style: chr8-77767854-C-G.
Other names: c.8619C>G, p.Ser2873Arg (NM_001410934.1); short protein forms S2873R, S2899R.
Identifiers: ClinVar variation 3026916 (VCV003026916.22), dbSNP rs1484307374, ClinGen allele CA371523022.